The following is an entry in ClinVar:

ClinVar aggregate classification (germline): Likely pathogenic (1 of 4 stars; one submission).

Conditions:
Rauch-Steindl syndrome (RAUST). Identifiers: Orphanet 659642, MedGen C5562061, MONDO:0859219, OMIM 619695.

Submission:

Women's Health and Genetics/Laboratory Corporation of America, LabCorp
Classification: Likely pathogenic for Rauch-Steindl syndrome. Last evaluated: 2024-11-27. Review status: criteria provided, single submitter. Criteria: LabCorp Variant Classification Summary - May 2015. Collection method: clinical testing. Allele origin: germline.
Comment: Variant summary: NSD2 c.1674G>C (p.Lys558Asn) results in a non-conservative amino acid change in the encoded protein sequence. Four of five in-silico tools predict a damaging effect of the variant on protein function. Several computational tools predict a significant impact on normal splicing: Three predict the variant weakens a 5' donor site. One predict the variant abolishes a 5' splicing donor site. However, these predictions have yet to be confirmed by functional studies. The variant was absent in 249044 control chromosomes. To our knowledge, no experimental evidence demonstrating an impact on protein function has been reported. No submitters have cited clinical-significance assessments for this variant to ClinVar. Based on the evidence outlined above, the variant was classified as likely pathogenic.

NM_001042424.3(NSD2):c.1674G>C (p.Lys558Asn)

Gene: NSD2 (nuclear receptor binding SET domain protein 2; plus strand). Cytogenetic location: 4p16.3.
Variant type: single nucleotide variant.
Coding change: c.1674G>C on transcript NM_001042424.3 (MANE Select); coding-DNA position 1674, G replaced by C.
Protein change: p.Lys558Asn; replaces lysine 558 with asparagine.
Molecular consequence: missense variant.
Genome position (GRCh38, 1-based): chr4:1,935,262, G>C. VCF-style: chr4-1935262-G-C. GRCh37 (hg19) VCF-style: chr4-1936989-G-C.
Other names: c.1674G>C, p.Lys558Asn (NM_007331.2, NM_133330.3, NM_133331.3 and 2 more transcripts); short protein forms K558N.
Identifiers: ClinVar variation 3629504 (VCV003629504.2).